The following is an entry in ClinVar:

ClinVar aggregate classification (germline): Uncertain significance. Review status: criteria provided, multiple submitters, no conflicts (2 of 4 stars). 3 submissions from 3 submitters: Uncertain significance (3). Last evaluated 2026-04-07.

Conditions:
Inborn genetic diseases. Identifiers: MedGen C0950123, MeSH D030342.
Familial cold autoinflammatory syndrome 2 (FCAS2). Identifiers: Orphanet 247868, MedGen C2673198, MONDO:0012724, OMIM 611762.

Allele frequency attached by ClinVar (database versions not stated): TOPMed 0.00007; gnomAD exomes below 0.00001; gnomAD 0.00004.
gnomAD v4.1: 12 of 1,614,024 alleles (0.00074%); highest among the groups gnomAD compares: African/African-American, 0.013%; no homozygotes.

Submissions (3):

Women's Health and Genetics/Laboratory Corporation of America, LabCorp
Classification: Uncertain significance. Last evaluated: 2026-04-07. Review status: criteria provided, single submitter. Criteria: LabCorp Variant Classification Summary - May 2015. Collection method: clinical testing. Allele origin: germline.

Labcorp Genetics (formerly Invitae), Labcorp
Classification: Uncertain significance for Familial cold autoinflammatory syndrome 2. Last evaluated: 2026-01-04. Review status: criteria provided, single submitter. Criteria: Invitae Variant Classification Sherloc (09022015). Collection method: clinical testing. Allele origin: germline.
Comment: This sequence change replaces glycine, which is neutral and non-polar, with serine, which is neutral and polar, at codon 222 of the NLRP12 protein (p.Gly222Ser). This variant is present in population databases (no rsID available, gnomAD 0.007%). This variant has not been reported in the literature in individuals affected with NLRP12-related conditions. ClinVar contains an entry for this variant (Variation ID: 2904033). Invitae Evidence Modeling of protein sequence and biophysical properties (such as structural, functional, and spatial information, amino acid conservation, physicochemical variation, residue mobility, and thermodynamic stability) indicates that this missense variant is expected to disrupt NLRP12 protein function with a positive predictive value of 80%. In summary, the available evidence is currently insufficient to determine the role of this variant in disease. Therefore, it has been classified as a Variant of Uncertain Significance.

Ambry Genetics
Classification: Uncertain significance for Inborn genetic diseases. Last evaluated: 2025-03-06. Review status: criteria provided, single submitter. Criteria: Ambry Variant Classification Scheme 2023. Collection method: clinical testing. Allele origin: germline.

NM_144687.4(NLRP12):c.664G>A (p.Gly222Ser)

Gene: NLRP12 (NLR family pyrin domain containing 12; minus strand). Cytogenetic location: 19q13.42.
Variant type: single nucleotide variant.
Coding change: c.664G>A on transcript NM_144687.4 (MANE Select); coding-DNA position 664, G replaced by A.
Protein change: p.Gly222Ser; replaces glycine 222 with serine.
Molecular consequence: missense variant.
Genome position (GRCh38, 1-based): chr19:53,810,995, C>T on the plus strand (G>A on the coding strand, the complement: NLRP12 is on the minus strand). VCF-style: chr19-53810995-C-T. GRCh37 (hg19) VCF-style: chr19-54314249-C-T.
Other names: c.664G>A, p.Gly222Ser (NM_001277126.2, NM_001277129.1); c.664G>A (NM_144687.2); short protein forms G222S.
Identifiers: ClinVar variation 2904033 (VCV002904033.5), dbSNP rs1363429330, ClinGen allele CA407416107.